The following is an entry in ClinVar:

NM_000218.3(KCNQ1):c.1877G>C (p.Gly626Ala)

Genes: KCNQ1 (potassium voltage-gated channel subfamily Q member 1; plus strand), KCNQ1-AS1 (KCNQ1 antisense RNA 1; minus strand). Cytogenetic location: 11p15.4.
Variant type: single nucleotide variant.
Coding change: c.1877G>C on transcript NM_000218.3 (MANE Select); coding-DNA position 1877, G replaced by C.
Protein change: p.Gly626Ala; replaces glycine 626 with alanine.
Molecular consequence: missense variant.
Genome position (GRCh38, 1-based): chr11:2,847,849, G>C. VCF-style: chr11-2847849-G-C. GRCh37 (hg19) VCF-style: chr11-2869079-G-C.
Other names: c.1781G>C, p.Gly594Ala (NM_001406836.1); c.1607G>C, p.Gly536Ala (NM_001406837.1); c.1337G>C, p.Gly446Ala (NM_001406838.1); c.389G>C, p.Gly130Ala (NM_001406839.1); c.1496G>C, p.Gly499Ala (NM_181798.2); short protein forms G130A, G446A, G499A, G536A, G594A, G626A.
Identifiers: ClinVar variation 3386953 (VCV003386953.1).

ClinVar aggregate classification (germline): Uncertain significance (1 of 4 stars; one submission).

Conditions:
Long QT syndrome (LQTS). Identifiers: MedGen C0023976, MeSH D008133, MONDO:0002442. Disease mechanism: loss of function. Inheritance: Various modes of inheritance.

Submission:

All of Us Research Program, National Institutes of Health
Classification: Uncertain significance for Long QT syndrome. Last evaluated: 2024-04-16. Review status: criteria provided, single submitter. Criteria: ACMG Guidelines, 2015. Collection method: clinical testing. Allele origin: germline. Inheritance: Autosomal dominant inheritance. Observed: 1 variant allele, 1 heterozygote.
Comment: This missense variant replaces glycine with alanine at codon 626 of the KCNQ1 protein. Computational prediction is inconclusive regarding the impact of this variant on protein structure and function (internally defined REVEL score threshold 0.5 < inconclusive < 0.7, PMID: 27666373). To our knowledge, functional studies have not been reported for this variant. This variant has been reported in an individual affected with long QT syndrome (PMID: 16414944). This variant has not been identified in the general population by the Genome Aggregation Database (gnomAD). The available evidence is insufficient to determine the role of this variant in disease conclusively. Therefore, this variant is classified as a Variant of Uncertain Significance.

This study involves interpretation of variants in research participants for the purpose of population health screening. Participant phenotype was not available at the time of variant classification. Additional details can be found in publication PMID: 35346344, PMCID: PMC8962531

Literature cited by the submitters: PubMed 16414944.